The following is an entry in ClinVar:

ClinVar aggregate classification (germline): Uncertain significance (1 of 4 stars; one submission).

Conditions:
Nephronophthisis 15 (NPHP15). Identifiers: Orphanet 3156, MedGen C3541853, MONDO:0013917, OMIM 614845.

Submission:

Labcorp Genetics (formerly Invitae), Labcorp
Classification: Uncertain significance for Nephronophthisis 15. Last evaluated: 2022-02-10. Review status: criteria provided, single submitter. Criteria: Invitae Variant Classification Sherloc (09022015). Collection method: clinical testing. Allele origin: germline.
Comment: This sequence change replaces glutamic acid, which is acidic and polar, with valine, which is neutral and non-polar, at codon 503 of the CEP164 protein (p.Glu503Val). This variant is not present in population databases (gnomAD no frequency). This variant has not been reported in the literature in individuals affected with CEP164-related conditions. Algorithms developed to predict the effect of missense changes on protein structure and function are either unavailable or do not agree on the potential impact of this missense change (SIFT: "Deleterious"; PolyPhen-2: "Possibly Damaging"; Align-GVGD: "Class C0"). In summary, the available evidence is currently insufficient to determine the role of this variant in disease. Therefore, it has been classified as a Variant of Uncertain Significance.

NM_014956.5(CEP164):c.1508A>T (p.Glu503Val)

Gene: CEP164 (centrosomal protein 164; plus strand). Cytogenetic location: 11q23.3.
Variant type: single nucleotide variant.
Coding change: c.1508A>T on transcript NM_014956.5 (MANE Select); coding-DNA position 1508, A replaced by T.
Protein change: p.Glu503Val; replaces glutamic acid 503 with valine.
Molecular consequence: missense variant.
Genome position (GRCh38, 1-based): chr11:117,381,799, A>T. VCF-style: chr11-117381799-A-T. GRCh37 (hg19) VCF-style: chr11-117252515-A-T.
Other names: c.1517A>T, p.Glu506Val (NM_001271933.2); short protein forms E503V, E506V.
Identifiers: ClinVar variation 1372739 (VCV001372739.6), dbSNP rs1293561746, ClinGen allele CA382742779.